The following is an entry in ClinVar:

NM_002471.4(MYH6):c.1581+19C>G

Gene: MYH6 (myosin heavy chain 6; minus strand). Cytogenetic location: 14q11.2.
Variant type: single nucleotide variant.
Coding change: c.1581+19C>G on transcript NM_002471.4 (MANE Select); 19 bases into the intron after coding-DNA position 1581, C replaced by G.
Molecular consequence: intron variant.
Genome position (GRCh38, 1-based): chr14:23,400,237, G>C on the plus strand (C>G on the coding strand, the complement: MYH6 is on the minus strand). VCF-style: chr14-23400237-G-C. GRCh37 (hg19) VCF-style: chr14-23869446-G-C.
Identifiers: ClinVar variation 390526 (VCV000390526.11), dbSNP rs201495432, ClinGen allele CA7115772.

ClinVar aggregate classification (germline): Benign/Likely benign. Review status: criteria provided, multiple submitters, no conflicts (2 of 4 stars). 4 submissions from 4 submitters: Benign (1); Likely benign (3). Last evaluated 2025-12-01.

Conditions:
Hypertrophic cardiomyopathy 14. Identifiers: MedGen C2750467, MONDO:0013197, OMIM 613251.

Allele frequency attached by ClinVar (database versions not stated): gnomAD 0.00049; TOPMed 0.00053; ESP Exome Variant Server 0.00054; 1000 Genomes Project 30x 0.00109; 1000 Genomes Project 0.00120.
gnomAD v4.1: 177 of 1,614,200 alleles (0.011%); highest among the groups gnomAD compares: African/African-American, 0.19%; no homozygotes.

Submissions (4):

Labcorp Genetics (formerly Invitae), Labcorp
Classification: Likely benign for Hypertrophic cardiomyopathy 14. Last evaluated: 2025-12-01. Review status: criteria provided, single submitter. Criteria: Invitae Variant Classification Sherloc (09022015). Collection method: clinical testing. Allele origin: germline.

Women's Health and Genetics/Laboratory Corporation of America, LabCorp
Classification: Benign. Last evaluated: 2025-02-10. Review status: criteria provided, single submitter. Criteria: LabCorp Variant Classification Summary - May 2015. Collection method: clinical testing. Allele origin: germline.

Blueprint Genetics
Classification: Likely benign. Last evaluated: 2024-06-25. Review status: criteria provided, single submitter. Criteria: ACMG Guidelines, 2015. Collection method: clinical testing. Allele origin: germline.

GeneDx
Classification: Likely benign. Last evaluated: 2017-09-20. Review status: criteria provided, single submitter. Criteria: GeneDx Variant Classification (06012015). Collection method: clinical testing. Allele origin: germline. Affected: yes.
Comment: This variant is considered likely benign or benign based on one or more of the following criteria: it is a conservative change, it occurs at a poorly conserved position in the protein, it is predicted to be benign by multiple in silico algorithms, and/or has population frequency not consistent with disease.